The following is an entry in ClinVar:

ClinVar aggregate classification (germline): Uncertain significance. Review status: criteria provided, multiple submitters, no conflicts (2 of 4 stars). 2 submissions from 2 submitters: Uncertain significance (2). Last evaluated 2025-06-09.

Allele frequency attached by ClinVar (database versions not stated): gnomAD exomes 0.00001; gnomAD 0.00001; TOPMed 0.00001; ExAC 0.00001.
gnomAD v4.1: 7 of 1,613,992 alleles (0.00043%); highest among the groups gnomAD compares: Admixed American, 0.0033%; no homozygotes.

Submissions (2):

GeneDx
Classification: Uncertain significance. Last evaluated: 2025-06-09. Review status: criteria provided, single submitter. Criteria: GeneDx Variant Classification Process June 2021. Collection method: clinical testing. Allele origin: germline. Affected: yes.
Comment: In silico analysis supports that this missense variant has a deleterious effect on protein structure/function; Has not been previously published as pathogenic or benign to our knowledge

Labcorp Genetics (formerly Invitae), Labcorp
Classification: Uncertain significance. Last evaluated: 2022-07-12. Review status: criteria provided, single submitter. Criteria: Invitae Variant Classification Sherloc (09022015). Collection method: clinical testing. Allele origin: germline.
Comment: In summary, the available evidence is currently insufficient to determine the role of this variant in disease. Therefore, it has been classified as a Variant of Uncertain Significance. Algorithms developed to predict the effect of missense changes on protein structure and function are either unavailable or do not agree on the potential impact of this missense change (SIFT: "Deleterious"; PolyPhen-2: "Probably Damaging"; Align-GVGD: "Class C0"). ClinVar contains an entry for this variant (Variation ID: 1479418). This variant has not been reported in the literature in individuals affected with ACBD5-related conditions. This variant is present in population databases (rs772689167, gnomAD 0.006%). This sequence change replaces serine, which is neutral and polar, with proline, which is neutral and non-polar, at codon 495 of the ACBD5 protein (p.Ser495Pro).

NM_145698.5(ACBD5):c.1483T>C (p.Ser495Pro)

Gene: ACBD5 (acyl-CoA binding domain containing 5; minus strand). Cytogenetic location: 10p12.1.
Variant type: single nucleotide variant.
Coding change: c.1483T>C on transcript NM_145698.5 (MANE Select); coding-DNA position 1483, T replaced by C.
Protein change: p.Ser495Pro; replaces serine 495 with proline.
Molecular consequence: missense variant.
Genome position (GRCh38, 1-based): chr10:27,204,522, A>G on the plus strand (T>C on the coding strand, the complement: ACBD5 is on the minus strand). VCF-style: chr10-27204522-A-G. GRCh37 (hg19) VCF-style: chr10-27493451-A-G.
Other names: c.1378T>C, p.Ser460Pro (NM_001042473.4, NM_001352577.2, NM_001352578.2 and 1 more transcripts); c.1477T>C, p.Ser493Pro (NM_001271512.3); c.1156T>C, p.Ser386Pro (NM_001301251.2, NM_001301252.2, NM_001301253.2 and 2 more transcripts); c.952T>C, p.Ser318Pro (NM_001301254.2); c.1537T>C, p.Ser513Pro (NM_001352568.1); c.1516T>C, p.Ser506Pro (NM_001352569.1); c.1483T>C, p.Ser495Pro (NM_001352570.1); c.1510T>C, p.Ser504Pro (NM_001352571.1); and 11 more; short protein forms S392P, S460P, S488P, S506P, S438P, S504P, S386P, S427P.
Identifiers: ClinVar variation 1479418 (VCV001479418.5), dbSNP rs772689167, ClinGen allele CA5450621.